The following is an entry in ClinVar:

ClinVar aggregate classification (germline): Uncertain significance (1 of 4 stars; one submission).

Submission:

Labcorp Genetics (formerly Invitae), Labcorp
Classification: Uncertain significance. Last evaluated: 2022-06-20. Review status: criteria provided, single submitter. Criteria: Invitae Variant Classification Sherloc (09022015). Collection method: clinical testing. Allele origin: germline.
Comment: This variant has been observed in individual(s) with dominant optical atrophy (PMID: 11810270). In summary, the available evidence is currently insufficient to determine the role of this variant in disease. Therefore, it has been classified as a Variant of Uncertain Significance. Variants that disrupt the consensus splice site are a relatively common cause of aberrant splicing (PMID: 17576681, 9536098). Algorithms developed to predict the effect of sequence changes on RNA splicing suggest that this variant may disrupt the consensus splice site. This variant is not present in population databases (gnomAD no frequency). This sequence change falls in intron 27 of the OPA1 gene. It does not directly change the encoded amino acid sequence of the OPA1 protein. It affects a nucleotide within the consensus splice site.

Literature cited by the submitters: PubMed 11810270; PubMed 17576681; PubMed 9536098.

NM_130837.3(OPA1):c.2983+6T>C

Gene: OPA1 (OPA1 mitochondrial dynamin like GTPase; plus strand). Cytogenetic location: 3q29.
Variant type: single nucleotide variant.
Coding change: c.2983+6T>C on transcript NM_130837.3 (MANE Select); 6 bases into the intron after coding-DNA position 2983, T replaced by C.
Molecular consequence: intron variant.
Genome position (GRCh38, 1-based): chr3:193,667,286, T>C. VCF-style: chr3-193667286-T-C. GRCh37 (hg19) VCF-style: chr3-193385075-T-C.
Other names: c.2446+6T>C (NM_001354664.2); c.2449+6T>C (NM_001354663.2); c.2872+6T>C (NM_130834.3); c.2929+6T>C (NM_130836.3); c.2818+6T>C (NM_015560.3); c.2875+6T>C (NM_130835.3); c.2764+6T>C (NM_130832.3); c.2821+6T>C (NM_130833.3); and 1 more.
Identifiers: ClinVar variation 1366087 (VCV001366087.8), dbSNP rs1577335678, ClinGen allele CA2573136896.